The following is an entry in ClinVar:

NM_001134407.3(GRIN2A):c.*1212C>T

Gene: GRIN2A (glutamate ionotropic receptor NMDA type subunit 2A; minus strand). Cytogenetic location: 16p13.2.
Variant type: single nucleotide variant.
Coding change: c.*1212C>T on transcript NM_001134407.3 (MANE Select); 1212 bases downstream of the stop codon, C replaced by T.
Molecular consequence: 3 prime UTR variant.
Genome position (GRCh38, 1-based): chr16:9,761,937, G>A on the plus strand (C>T on the coding strand, the complement: GRIN2A is on the minus strand). VCF-style: chr16-9761937-G-A. GRCh37 (hg19) VCF-style: chr16-9855794-G-A.
Other names: c.*1212C>T (NM_000833.5); c.*1418C>T (NM_001134408.2).
Identifiers: ClinVar variation 321583 (VCV000321583.6), dbSNP rs1014531, ClinGen allele CA10644776.

ClinVar aggregate classification (germline): Benign. Review status: criteria provided, multiple submitters, no conflicts (2 of 4 stars). 2 submissions from 2 submitters: Benign (2). Last evaluated 2018-01-13.

Conditions:
Landau-Kleffner syndrome (FESD). Also called: EPILEPSY, FOCAL, WITH SPEECH DISORDER AND WITH OR WITHOUT MENTAL RETARDATION; APHASIA, ACQUIRED, WITH EPILEPSY. Identifiers: Orphanet 1945, Orphanet 725, Orphanet 98818, MedGen C0282512, MONDO:0009509, OMIM 245570.

Allele frequency attached by ClinVar (database versions not stated): 1000 Genomes Project 0.26817; TOPMed 0.33749; gnomAD 0.34041 and 0.33682; gnomAD exomes 0.35743; 1000 Genomes Project 30x 0.27186.
gnomAD v4.1: 69,754 of 203,760 alleles (34%); highest among the groups gnomAD compares: Non-Finnish European, 41%; 12,524 homozygotes.

Submissions (2):

Illumina Laboratory Services, Illumina
Classification: Benign for Landau-Kleffner syndrome. Last evaluated: 2018-01-13. Review status: criteria provided, single submitter. Criteria: ICSL Variant Classification Criteria 13 December 2019. Collection method: clinical testing. Allele origin: germline.
Comment: This variant was observed in the ICSL laboratory as part of a predisposition screen in an ostensibly healthy population. It had not been previously curated by ICSL or reported in the Human Gene Mutation Database (HGMD: prior to June 1st, 2018), and was therefore a candidate for classification through an automated scoring system. Utilizing variant allele frequency, disease prevalence and penetrance estimates, and inheritance mode, an automated score was calculated to assess if this variant is too frequent to cause the disease. Based on the score and internal cut-off values, a variant classified as benign is not then subjected to further curation. The score for this variant resulted in a classification of benign for this disease.

Breakthrough Genomics
Classification: Benign. Review status: criteria provided, single submitter. Criteria: ACMG Guidelines, 2015. Collection method: not provided. Allele origin: germline. Inheritance: Autosomal dominant inheritance. Affected: yes.